The following is an entry in ClinVar:

NM_004621.6(TRPC6):c.101T>C (p.Met34Thr)

Gene: TRPC6 (transient receptor potential cation channel subfamily C member 6; minus strand). Cytogenetic location: 11q22.1.
Variant type: single nucleotide variant.
Coding change: c.101T>C on transcript NM_004621.6 (MANE Select); coding-DNA position 101, T replaced by C.
Protein change: p.Met34Thr; replaces methionine 34 with threonine.
Molecular consequence: missense variant.
Genome position (GRCh38, 1-based): chr11:101,583,403, A>G on the plus strand (T>C on the coding strand, the complement: TRPC6 is on the minus strand). VCF-style: chr11-101583403-A-G. GRCh37 (hg19) VCF-style: chr11-101454134-A-G.
Other names: short protein forms M34T.
Identifiers: ClinVar variation 1034101 (VCV001034101.5), dbSNP rs758531773, ClinGen allele CA382444058.
Genomic context (GRCh38, chr11:101,583,403, plus strand): 5'-TAGTAGCCGTAGCAAGGCAGCGGGGCTTGCGGGCAGCCGTCTTCTCCCAGCTCCGAGTCC[A>G]TGAGCAGATAGTCCTGGCTCTCGTTGCGCCGCGCAGCGGCTCCGGCAGCGCCCCGGGGAG-3'
Protein context (NP_004612.2, residues 24-44): RRNESQDYLL[Met34Thr]DSELGEDGCP

ClinVar aggregate classification (germline): Uncertain significance. Review status: criteria provided, multiple submitters, no conflicts (2 of 4 stars). 2 submissions from 2 submitters: Uncertain significance (2). Last evaluated 2022-06-14.

Conditions:
Focal segmental glomerulosclerosis 2 (FSGS2). Identifiers: Orphanet 656, MedGen C1858915, MONDO:0011390, OMIM 603965.

Allele frequency attached by ClinVar (database versions not stated): TOPMed 0.00002.
gnomAD v4.1: 11 of 1,586,224 alleles (0.00069%); highest among the groups gnomAD compares: African/African-American, 0.0027%; no homozygotes.

Submissions (2):

Labcorp Genetics (formerly Invitae), Labcorp
Classification: Uncertain significance. Last evaluated: 2022-06-14. Review status: criteria provided, single submitter. Criteria: Invitae Variant Classification Sherloc (09022015). Collection method: clinical testing. Allele origin: germline.
Comment: In summary, the available evidence is currently insufficient to determine the role of this variant in disease. Therefore, it has been classified as a Variant of Uncertain Significance. Algorithms developed to predict the effect of missense changes on protein structure and function are either unavailable or do not agree on the potential impact of this missense change (SIFT: "Deleterious"; PolyPhen-2: "Benign"; Align-GVGD: "Class C0"). ClinVar contains an entry for this variant (Variation ID: 1034101). This variant has not been reported in the literature in individuals affected with TRPC6-related conditions. This variant is present in population databases (no rsID available, gnomAD 0.005%). This sequence change replaces methionine, which is neutral and non-polar, with threonine, which is neutral and polar, at codon 34 of the TRPC6 protein (p.Met34Thr).

Baylor Genetics
Classification: Uncertain significance for Focal segmental glomerulosclerosis 2. Last evaluated: 2018-08-22. Review status: criteria provided, single submitter. Criteria: ACMG Guidelines, 2015. Collection method: clinical testing. Allele origin: paternal. Affected: yes.
Comment: This variant was determined to be of uncertain significance according to ACMG Guidelines, 2015 [PMID:25741868].